The following is an entry in ClinVar:

ClinVar aggregate classification (germline): Conflicting classifications of pathogenicity. Review status: criteria provided, conflicting classifications (1 of 4 stars). 4 submissions from 4 submitters: Uncertain significance (2); Likely benign (1). 1 of the submissions does not count toward it. Last evaluated 2025-08-07.

Conditions:
Hereditary breast ovarian cancer syndrome. Also called: Hereditary breast and ovarian cancer syndrome (HBOC); BRCA1- and BRCA2-Associated Hereditary Breast and Ovarian Cancer; Hereditary breast and ovarian cancer syndrome; Breast and ovarian cancer; Hereditary breast and/or ovarian cancer syndrome; Hereditary breast and ovarian cancer. Identifiers: Orphanet 145, MedGen C0677776, MeSH D061325, MONDO:0003582. Disease mechanism: loss of function.
Hereditary cancer-predisposing syndrome. Also called: Neoplastic Syndromes, Hereditary; Hereditary Cancer Syndrome; Hereditary neoplastic syndrome; Tumor predisposition. Identifiers: Orphanet 140162, MedGen C0027672, MeSH D009386, MONDO:0015356.
Breast-ovarian cancer, familial, susceptibility to, 2 (BROVCA2). Also called: BRCA2 Hereditary Breast and Ovarian Cancer. Identifiers: Orphanet 145, MedGen C2675520, MONDO:0012933, OMIM 612555. Disease mechanism: loss of function.

gnomAD v4.1: 2 of 1,611,052 alleles (0.00012%); highest among the groups gnomAD compares: African/African-American, 0.0013%; no homozygotes.

Submissions (4):

Labcorp Genetics (formerly Invitae), Labcorp
Classification: Uncertain significance for Hereditary breast ovarian cancer syndrome. Last evaluated: 2025-08-07. Review status: criteria provided, single submitter. Criteria: Invitae Variant Classification Sherloc (09022015). Collection method: clinical testing. Allele origin: germline.
Comment: This sequence change replaces serine, which is neutral and polar, with cysteine, which is neutral and slightly polar, at codon 2213 of the BRCA2 protein (p.Ser2213Cys). This variant is not present in population databases (gnomAD no frequency). This variant has not been reported in the literature in individuals affected with BRCA2-related conditions. ClinVar contains an entry for this variant (Variation ID: 826524). Invitae Evidence Modeling of protein sequence and biophysical properties (such as structural, functional, and spatial information, amino acid conservation, physicochemical variation, residue mobility, and thermodynamic stability) indicates that this missense variant is not expected to disrupt BRCA2 protein function with a negative predictive value of 95%. In summary, the available evidence is currently insufficient to determine the role of this variant in disease. Therefore, it has been classified as a Variant of Uncertain Significance.

University of Washington Department of Laboratory Medicine, University of Washington
Classification: Likely benign for Hereditary cancer-predisposing syndrome. Last evaluated: 2023-03-23. Review status: criteria provided, single submitter. Criteria: Dines et al. (Genet Med. 2020). Collection method: curation. Allele origin: germline.
Comment: Missense variant in a coldspot region where missense variants are very unlikely to be pathogenic (PMID:31911673).

BRCA2 exon 11 coldspot. Reclassification based on statistical prior probability.

Ambry Genetics
Classification: Uncertain significance for Hereditary cancer-predisposing syndrome. Last evaluated: 2019-07-31. Review status: criteria provided, single submitter. Criteria: Ambry Variant Classification Scheme 2023. Collection method: clinical testing. Allele origin: germline.
Comment: The p.S2213C variant (also known as c.6638C>G), located in coding exon 10 of the BRCA2 gene, results from a C to G substitution at nucleotide position 6638. The serine at codon 2213 is replaced by cysteine, an amino acid with dissimilar properties. This amino acid position is poorly conserved in available vertebrate species. In addition, the in silico prediction for this alteration is inconclusive. Since supporting evidence is limited at this time, the clinical significance of this alteration remains unclear.

BRCAlab, Lund University
Classification: Uncertain significance for Breast-ovarian cancer, familial, susceptibility to, 2. Last evaluated: 2020-03-02. Review status: no assertion criteria provided. Collection method: clinical testing. Allele origin: germline. Affected: yes. Not counted in ClinVar's aggregate classification.

NM_000059.4(BRCA2):c.6638C>G (p.Ser2213Cys)

Gene: BRCA2 (BRCA2 DNA repair associated; plus strand). Cytogenetic location: 13q13.1.
Variant type: single nucleotide variant.
Coding change: c.6638C>G on transcript NM_000059.4 (MANE Select); coding-DNA position 6638, C replaced by G.
Protein change: p.Ser2213Cys; replaces serine 2213 with cysteine.
Molecular consequence: missense variant.
Genome position (GRCh38, 1-based): chr13:32,340,993, C>G. VCF-style: chr13-32340993-C-G. GRCh37 (hg19) VCF-style: chr13-32915130-C-G.
Other names: short protein forms S2213C.
Identifiers: ClinVar variation 826524 (VCV000826524.11), dbSNP rs75925841, ClinGen allele CA387790322.